The following is an entry in ClinVar:

NM_000090.4(COL3A1):c.716C>A (p.Pro239His)

Gene: COL3A1 (collagen type III alpha 1 chain; plus strand). Cytogenetic location: 2q32.2.
Variant type: single nucleotide variant.
Coding change: c.716C>A on transcript NM_000090.4 (MANE Select); coding-DNA position 716, C replaced by A.
Protein change: p.Pro239His; replaces proline 239 with histidine.
Molecular consequence: missense variant.
Genome position (GRCh38, 1-based): chr2:188,990,121, C>A. VCF-style: chr2-188990121-C-A. GRCh37 (hg19) VCF-style: chr2-189854847-C-A.
Other names: short protein forms P239H.
Identifiers: ClinVar variation 928601 (VCV000928601.1), dbSNP rs1688155467, ClinGen allele CA349849013.
Genomic context (GRCh38, chr2:188,990,121, plus strand): 5'-ATGAGCACCTACGTATTCTTTATTTCTCTACCTAGGGAGAATCAGGTAGACCCGGACGAC[C>A]TGGAGAGCGAGGATTGCCTGGACCTCCAGTGAGTCTTCAGCATCTAATAAATTAATTGGA-3'
Protein context (NP_000081.2, residues 229-249): KDGESGRPGR[Pro239His]GERGLPGPPG

ClinVar aggregate classification (germline): Uncertain significance (1 of 4 stars; one submission).

Submission:

Women's Health and Genetics/Laboratory Corporation of America, LabCorp
Classification: Uncertain significance. Last evaluated: 2019-07-29. Review status: criteria provided, single submitter. Criteria: LabCorp Variant Classification Summary - May 2015. Collection method: clinical testing. Allele origin: germline.
Comment: Variant summary: COL3A1 c.716C>A (p.Pro239His) results in a non-conservative amino acid change in the encoded protein sequence. Five of five in-silico tools predict a damaging effect of the variant on protein function. The variant was absent in 250862 control chromosomes (gnomAD). The available data on variant occurrences in the general population are insufficient to allow any conclusion about variant significance. To our knowledge, no occurrence of c.716C>A in individuals affected with Aortopathy and no experimental evidence demonstrating its impact on protein function have been reported. No submitters have provided clinical-significance assessments for this variant to ClinVar after 2014. Based on the evidence outlined above, the variant was classified as uncertain significance.